The following is an entry in ClinVar:

NM_152468.5(TMC8):c.155T>A (p.Leu52Gln)

Genes: TMC6 (transmembrane channel like 6; minus strand), TMC8 (transmembrane channel like 8; plus strand), LOC130061792 (ATAC-STARR-seq lymphoblastoid silent region 9043; plus strand). Cytogenetic location: 17q25.3.
Variant type: single nucleotide variant.
Coding change: c.155T>A on transcript NM_152468.5 (MANE Select); coding-DNA position 155, T replaced by A.
Protein change: p.Leu52Gln; replaces leucine 52 with glutamine.
Molecular consequence: missense variant. On other transcripts: intron variant (1).
Genome position (GRCh38, 1-based): chr17:78,131,887, T>A. VCF-style: chr17-78131887-T-A. GRCh37 (hg19) VCF-style: chr17-76127968-T-A.
Other names: c.-75+454A>T (NM_007267.7); short protein forms L52Q.
Identifiers: ClinVar variation 3612801 (VCV003612801.2).
Genomic context (GRCh38, chr17:78,131,887, plus strand): 5'-CCCGGGTGGGCAGGGCGGGTGACTCAGGGGCGCCCCTGTCACCACCCCCGTCCAGGCAGC[T>A]GCGGGAGCCCGCGGGGGTGCAGACCTTGCGCTGGCAGCGGTGGCAGCGCCGGCGGCAGAC-3'
Protein context (NP_689681.2, residues 42-62): AMMDKRLIWQ[Leu52Gln]REPAGVQTLR

ClinVar aggregate classification (germline): Uncertain significance (1 of 4 stars; one submission).

Conditions:
Epidermodysplasia verruciformis. Identifiers: Orphanet 302, MedGen C0014522, MONDO:0009176.

Submission:

Labcorp Genetics (formerly Invitae), Labcorp
Classification: Uncertain significance for Epidermodysplasia verruciformis. Last evaluated: 2024-07-23. Review status: criteria provided, single submitter. Criteria: Invitae Variant Classification Sherloc (09022015). Collection method: clinical testing. Allele origin: germline.
Comment: This sequence change replaces leucine, which is neutral and non-polar, with glutamine, which is neutral and polar, at codon 52 of the TMC8 protein (p.Leu52Gln). This variant is not present in population databases (gnomAD no frequency). This variant has not been reported in the literature in individuals affected with TMC8-related conditions. Advanced modeling of protein sequence and biophysical properties (such as structural, functional, and spatial information, amino acid conservation, physicochemical variation, residue mobility, and thermodynamic stability) performed at Invitae indicates that this missense variant is not expected to disrupt TMC8 protein function with a negative predictive value of 80%. In summary, the available evidence is currently insufficient to determine the role of this variant in disease. Therefore, it has been classified as a Variant of Uncertain Significance.